The following is an entry in ClinVar:

NM_006662.3(SRCAP):c.4082C>T (p.Ala1361Val)

Gene: SRCAP (Snf2 related CREBBP activator protein; plus strand). Cytogenetic location: 16p11.2.
Variant type: single nucleotide variant.
Coding change: c.4082C>T on transcript NM_006662.3 (MANE Select); coding-DNA position 4082, C replaced by T.
Protein change: p.Ala1361Val; replaces alanine 1361 with valine.
Molecular consequence: missense variant.
Genome position (GRCh38, 1-based): chr16:30,723,152, C>T. VCF-style: chr16-30723152-C-T. GRCh37 (hg19) VCF-style: chr16-30734473-C-T.
Other names: c.4082C>T (NM_006662.2); short protein forms A1361V.
Identifiers: ClinVar variation 2064383 (VCV002064383.6), dbSNP rs367874972, ClinGen allele CA8011658.

ClinVar aggregate classification (germline): Conflicting classifications of pathogenicity. Review status: criteria provided, conflicting classifications (1 of 4 stars). 3 submissions from 3 submitters: Uncertain significance (2); Likely benign (1). Last evaluated 2026-01-19.

Conditions:
Inborn genetic diseases. Identifiers: MedGen C0950123, MeSH D030342.

Allele frequency attached by ClinVar (database versions not stated): gnomAD 0.00006; ESP Exome Variant Server 0.00008; TOPMed 0.00008; ExAC 0.00013; gnomAD exomes 0.00018.
gnomAD v4.1: 258 of 1,614,030 alleles (0.016%); highest among the groups gnomAD compares: Non-Finnish European, 0.021%; no homozygotes.

Submissions (3):

Labcorp Genetics (formerly Invitae), Labcorp
Classification: Uncertain significance. Last evaluated: 2026-01-19. Review status: criteria provided, single submitter. Criteria: Invitae Variant Classification Sherloc (09022015). Collection method: clinical testing. Allele origin: germline.
Comment: This sequence change replaces alanine, which is neutral and non-polar, with valine, which is neutral and non-polar, at codon 1361 of the SRCAP protein (p.Ala1361Val). This variant is present in population databases (rs367874972, gnomAD 0.02%). This variant has not been reported in the literature in individuals affected with SRCAP-related conditions. ClinVar contains an entry for this variant (Variation ID: 2064383). Invitae Evidence Modeling of protein sequence and biophysical properties (such as structural, functional, and spatial information, amino acid conservation, physicochemical variation, residue mobility, and thermodynamic stability) indicates that this missense variant is not expected to disrupt SRCAP protein function with a negative predictive value of 80%. In summary, the available evidence is currently insufficient to determine the role of this variant in disease. Therefore, it has been classified as a Variant of Uncertain Significance.

Ambry Genetics
Classification: Likely benign for Inborn genetic diseases. Last evaluated: 2024-08-11. Review status: criteria provided, single submitter. Criteria: Ambry Variant Classification Scheme 2023. Collection method: clinical testing. Allele origin: germline.

Women's Health and Genetics/Laboratory Corporation of America, LabCorp
Classification: Uncertain significance. Last evaluated: 2023-10-12. Review status: criteria provided, single submitter. Criteria: LabCorp Variant Classification Summary - May 2015. Collection method: clinical testing. Allele origin: germline.
Comment: Variant summary: SRCAP c.4082C>T (p.Ala1361Val) results in a non-conservative amino acid change in the encoded protein sequence. Four of five in-silico tools predict a benign effect of the variant on protein function. The variant allele was found at a frequency of 0.00013 in 251362 control chromosomes (gnomAD). To our knowledge, no occurrence of c.4082C>T in individuals affected with Floating-Harbor Syndrome and no experimental evidence demonstrating its impact on protein function have been reported. One submitter has cited clinical-significance assessments for this variant to ClinVar after 2014 and has classified the variant as uncertain significance. Based on the evidence outlined above, the variant was classified as uncertain significance.